The following is an entry in ClinVar:

NM_000094.4(COL7A1):c.2347C>T (p.Gln783Ter)

Gene: COL7A1 (collagen type VII alpha 1 chain; minus strand). Cytogenetic location: 3p21.31.
Variant type: single nucleotide variant.
Coding change: c.2347C>T on transcript NM_000094.4 (MANE Select); coding-DNA position 2347, C replaced by T.
Protein change: p.Gln783Ter; replaces glutamine 783 with a stop codon.
Molecular consequence: nonsense.
Genome position (GRCh38, 1-based): chr3:48,588,963, G>A on the plus strand (C>T on the coding strand, the complement: COL7A1 is on the minus strand). VCF-style: chr3-48588963-G-A. GRCh37 (hg19) VCF-style: chr3-48626396-G-A.
Other names: short protein forms Q783*.
Identifiers: ClinVar variation 1929323 (VCV001929323.5), dbSNP rs776206530, ClinGen allele CA2380912.

ClinVar aggregate classification (germline): Pathogenic (1 of 4 stars; one submission).

Allele frequency attached by ClinVar (database versions not stated): ExAC 0.00001; gnomAD 0.00001.
gnomAD v4.1: 1 of 1,613,436 alleles (0.000062%); highest among the groups gnomAD compares: Non-Finnish European, 0.000085%; no homozygotes.

Submission:

Labcorp Genetics (formerly Invitae), Labcorp
Classification: Pathogenic. Last evaluated: 2022-09-18. Review status: criteria provided, single submitter. Criteria: Invitae Variant Classification Sherloc (09022015). Collection method: clinical testing. Allele origin: germline.
Comment: For these reasons, this variant has been classified as Pathogenic. This variant has not been reported in the literature in individuals affected with COL7A1-related conditions. This variant is present in population databases (rs776206530, gnomAD 0.0009%). This sequence change creates a premature translational stop signal (p.Gln783*) in the COL7A1 gene. It is expected to result in an absent or disrupted protein product. Loss-of-function variants in COL7A1 are known to be pathogenic (PMID: 16971478).

Literature cited by the submitters: PubMed 16971478.